The following is an entry in ClinVar:

NM_012301.4(MAGI2):c.219C>T (p.Pro73=)

Genes: MAGI2 (membrane associated guanylate kinase, WW and PDZ domain containing 2; minus strand), MAGI2-AS3 (MAGI2 antisense RNA 3; plus strand). Cytogenetic location: 7q21.11.
Variant type: single nucleotide variant.
Coding change: c.219C>T on transcript NM_012301.4 (MANE Select); coding-DNA position 219, C replaced by T.
Protein change: p.Pro73=; no amino-acid change (proline 73 retained).
Molecular consequence: synonymous variant. On other transcripts: non-coding transcript variant (2).
Genome position (GRCh38, 1-based): chr7:79,453,102, G>A on the plus strand (C>T on the coding strand, the complement: MAGI2 is on the minus strand). VCF-style: chr7-79453102-G-A. GRCh37 (hg19) VCF-style: chr7-79082418-G-A.
Other names: p.Pro73=; c.219C>T, p.Pro73= (NM_001301128.2).
Identifiers: ClinVar variation 129558 (VCV000129558.48), dbSNP rs148240352, ClinGen allele CA200525.

ClinVar aggregate classification (germline): Conflicting classifications of pathogenicity. Review status: criteria provided, conflicting classifications (1 of 4 stars). 9 submissions from 9 submitters: Uncertain significance (1); Benign (2); Likely benign (5). 1 of the submissions does not count toward it. Last evaluated 2026-06-11.

Conditions:
MAGI2-related disorder. Also called: MAGI2-related condition.

Allele frequency attached by ClinVar (database versions not stated): 1000 Genomes Project 0.00040; 1000 Genomes Project 30x 0.00047; ExAC 0.00126; gnomAD exomes 0.00140 and 0.00306; gnomAD 0.00143; TOPMed 0.00179; ESP Exome Variant Server 0.00238.
gnomAD v4.1: 4,643 of 1,613,770 alleles (0.29%); highest among the groups gnomAD compares: Non-Finnish European, 0.38%; 9 homozygotes.

Submissions (9):

Women's Health and Genetics/Laboratory Corporation of America, LabCorp
Classification: Likely benign. Last evaluated: 2026-06-11. Review status: criteria provided, single submitter. Criteria: LabCorp Variant Classification Summary - May 2015. Collection method: clinical testing. Allele origin: germline.

Labcorp Genetics (formerly Invitae), Labcorp
Classification: Likely benign. Last evaluated: 2025-09-08. Review status: criteria provided, single submitter. Criteria: Invitae Variant Classification Sherloc (09022015). Collection method: clinical testing. Allele origin: germline.

Mayo Clinic Laboratories, Mayo Clinic
Classification: Benign. Last evaluated: 2025-03-12. Review status: criteria provided, single submitter. Criteria: ACMG Guidelines, 2015. Collection method: clinical testing. Allele origin: germline. Observed: 2 variant alleles.
Comment: BS1, BS2, BP4, BP7

Blueprint Genetics
Classification: Likely benign. Last evaluated: 2024-11-25. Review status: criteria provided, single submitter. Criteria: ACMG Guidelines, 2015. Collection method: clinical testing. Allele origin: germline.

CeGaT Center for Human Genetics Tuebingen
Classification: Likely benign. Last evaluated: 2023-12-01. Review status: criteria provided, single submitter. Criteria: CeGaT Center For Human Genetics Tuebingen Variant Classification Criteria Version 2. Collection method: clinical testing. Allele origin: germline. Affected: yes. Observed: 2 variant alleles.
Comment: MAGI2: BP4, BP7

Athena Diagnostics
Classification: Benign. Last evaluated: 2019-01-30. Review status: criteria provided, single submitter. Criteria: Athena Diagnostics Criteria. Collection method: clinical testing. Allele origin: germline.

Eurofins Ntd Llc (ga)
Classification: Likely benign. Last evaluated: 2014-09-17. Review status: criteria provided, single submitter. Criteria: EGL Classification Definitions 2015. Collection method: clinical testing. Allele origin: germline. Observed: 1 variant allele, 1 heterozygote.

Genetic Services Laboratory, University of Chicago
Classification: Uncertain significance. Last evaluated: 2012-11-16. Review status: criteria provided, single submitter. Criteria: ACMG Guidelines, 2007. Collection method: clinical testing. Allele origin: germline. Inheritance: Autosomal dominant inheritance.

PreventionGenetics, part of Exact Sciences
Classification: Likely benign for MAGI2-related condition. Last evaluated: 2019-10-14. Review status: no assertion criteria provided. Collection method: clinical testing. Allele origin: germline. Not counted in ClinVar's aggregate classification.
Comment: This variant is classified as likely benign based on ACMG/AMP sequence variant interpretation guidelines (Richards et al. 2015 PMID: 25741868, with internal and published modifications).